The following is an entry in ClinVar:

NM_006766.5(KAT6A):c.3351T>C (p.Asp1117=)

Gene: KAT6A (lysine acetyltransferase 6A; minus strand). Cytogenetic location: 8p11.21.
Variant type: single nucleotide variant.
Coding change: c.3351T>C on transcript NM_006766.5 (MANE Select); coding-DNA position 3351, T replaced by C.
Protein change: p.Asp1117=; no amino-acid change (aspartic acid 1117 retained).
Molecular consequence: synonymous variant.
Genome position (GRCh38, 1-based): chr8:41,937,257, A>G on the plus strand (T>C on the coding strand, the complement: KAT6A is on the minus strand). VCF-style: chr8-41937257-A-G. GRCh37 (hg19) VCF-style: chr8-41794775-A-G.
Identifiers: ClinVar variation 2787081 (VCV002787081.3), dbSNP rs2486763022, ClinGen allele CA460543083.

ClinVar aggregate classification (germline): Uncertain significance (1 of 4 stars; one submission).

Allele frequency attached by ClinVar (database versions not stated): gnomAD exomes below 0.00001.
gnomAD v4.1: 5 of 1,611,280 alleles (0.00031%); highest among the groups gnomAD compares: Non-Finnish European, 0.00042%; no homozygotes.

Submission:

Labcorp Genetics (formerly Invitae), Labcorp
Classification: Uncertain significance. Last evaluated: 2025-12-08. Review status: criteria provided, single submitter. Criteria: Invitae Variant Classification Sherloc (09022015). Collection method: clinical testing. Allele origin: germline.
Comment: This sequence change affects codon 1117 of the KAT6A mRNA. It is a 'silent' change, meaning that it does not change the encoded amino acid sequence of the KAT6A protein. It affects a nucleotide within the consensus splice site. This variant is not present in population databases (gnomAD no frequency). This variant has not been reported in the literature in individuals affected with KAT6A-related conditions. ClinVar contains an entry for this variant (Variation ID: 2787081). Algorithms developed to predict the effect of sequence changes on RNA splicing suggest that this variant is not likely to affect RNA splicing. In summary, the available evidence is currently insufficient to determine the role of this variant in disease. Therefore, it has been classified as a Variant of Uncertain Significance.